The following is an entry in ClinVar:

NM_000059.4(BRCA2):c.6697G>A (p.Ala2233Thr)

Gene: BRCA2 (BRCA2 DNA repair associated; plus strand). Cytogenetic location: 13q13.1.
Variant type: single nucleotide variant.
Coding change: c.6697G>A on transcript NM_000059.4 (MANE Select); coding-DNA position 6697, G replaced by A.
Protein change: p.Ala2233Thr; replaces alanine 2233 with threonine.
Molecular consequence: missense variant.
Genome position (GRCh38, 1-based): chr13:32,341,052, G>A. VCF-style: chr13-32341052-G-A. GRCh37 (hg19) VCF-style: chr13-32915189-G-A.
Other names: short protein forms A2233T.
Identifiers: ClinVar variation 409543 (VCV000409543.11), dbSNP rs1060502396, ClinGen allele CA16614198.

ClinVar aggregate classification (germline): Conflicting classifications of pathogenicity. Review status: criteria provided, conflicting classifications (1 of 4 stars). 3 submissions from 3 submitters: Uncertain significance (2); Likely benign (1). Last evaluated 2024-11-11.

Conditions:
Hereditary breast ovarian cancer syndrome. Also called: Hereditary breast and ovarian cancer; Hereditary breast and/or ovarian cancer syndrome; BRCA1- and BRCA2-Associated Hereditary Breast and Ovarian Cancer; Hereditary breast and ovarian cancer syndrome; Hereditary breast and ovarian cancer syndrome (HBOC); Breast and ovarian cancer. Identifiers: Orphanet 145, MedGen C0677776, MeSH D061325, MONDO:0003582. Disease mechanism: loss of function.
Hereditary cancer-predisposing syndrome. Also called: Tumor predisposition; Hereditary Cancer Syndrome; Hereditary neoplastic syndrome; Neoplastic Syndromes, Hereditary. Identifiers: Orphanet 140162, MedGen C0027672, MeSH D009386, MONDO:0015356.

Submissions (3):

Labcorp Genetics (formerly Invitae), Labcorp
Classification: Uncertain significance for Hereditary breast ovarian cancer syndrome. Last evaluated: 2024-11-11. Review status: criteria provided, single submitter. Criteria: Invitae Variant Classification Sherloc (09022015). Collection method: clinical testing. Allele origin: germline.
Comment: This sequence change replaces alanine, which is neutral and non-polar, with threonine, which is neutral and polar, at codon 2233 of the BRCA2 protein (p.Ala2233Thr). This variant is not present in population databases (gnomAD no frequency). This variant has not been reported in the literature in individuals affected with BRCA2-related conditions. ClinVar contains an entry for this variant (Variation ID: 409543). Invitae Evidence Modeling of protein sequence and biophysical properties (such as structural, functional, and spatial information, amino acid conservation, physicochemical variation, residue mobility, and thermodynamic stability) indicates that this missense variant is not expected to disrupt BRCA2 protein function with a negative predictive value of 95%. In summary, the available evidence is currently insufficient to determine the role of this variant in disease. Therefore, it has been classified as a Variant of Uncertain Significance.

Quest Diagnostics Nichols Institute San Juan Capistrano
Classification: Uncertain significance. Last evaluated: 2024-10-07. Review status: criteria provided, single submitter. Criteria: Quest Diagnostics criteria. Collection method: clinical testing. Allele origin: unknown.
Comment: The BRCA2 c.6697G>A (p.Ala2233Thr) variant has been reported in the published literature to be located in a region of the BRCA2 gene that is tolerant to missense changes (PMID: 31911673 (2020)) and is predicted not likely to impact protein function (PMID: 29884841 (2019)). To the best of our knowledge, this variant has not been reported in individuals with BRCA2-related cancers. This variant has not been reported in large, multi-ethnic general populations (Genome Aggregation Database). Analysis of this variant using bioinformatics tools for the prediction of the effect of amino acid changes on protein structure and function yielded conflicting predictions that this variant is benign or damaging. Based on the available information, we are unable to determine the clinical significance of this variant.

University of Washington Department of Laboratory Medicine, University of Washington
Classification: Likely benign for Hereditary cancer-predisposing syndrome. Last evaluated: 2023-03-23. Review status: criteria provided, single submitter. Criteria: Dines et al. (Genet Med. 2020). Collection method: curation. Allele origin: germline.
Comment: Missense variant in a coldspot region where missense variants are very unlikely to be pathogenic (PMID:31911673).

BRCA2 exon 11 coldspot. Reclassification based on statistical prior probability.

Literature cited by the submitters: PubMed 31911673 (cited by Quest Diagnostics Nichols Institute San Juan Capistrano); PubMed 29884841 (cited by Quest Diagnostics Nichols Institute San Juan Capistrano).